The following is an entry in ClinVar:

ClinVar aggregate classification (germline): Conflicting classifications of pathogenicity. Review status: criteria provided, conflicting classifications (1 of 4 stars). 4 submissions from 4 submitters: Uncertain significance (1); Benign (3). Last evaluated 2026-02-04.

Conditions:
Brachyolmia-amelogenesis imperfecta syndrome. Also called: PLATYSPONDYLY WITH AMELOGENESIS IMPERFECTA; Tooth agenesis, selective, 6; Dental anomalies and short stature. Identifiers: Orphanet 2899, MedGen C1832594, MONDO:0011018, OMIM 601216. Disease mechanism: loss of function.
Geleophysic dysplasia 3. Identifiers: MedGen C4540511, MONDO:0054722, OMIM 617809.

Submissions (4):

Labcorp Genetics (formerly Invitae), Labcorp
Classification: Benign for Brachyolmia-amelogenesis imperfecta syndrome. Last evaluated: 2026-02-04. Review status: criteria provided, single submitter. Criteria: Invitae Variant Classification Sherloc (09022015). Collection method: clinical testing. Allele origin: germline.

Fulgent Genetics
Classification: Uncertain significance for Brachyolmia-amelogenesis imperfecta syndrome; Geleophysic dysplasia 3. Last evaluated: 2024-02-02. Review status: criteria provided, single submitter. Criteria: ACMG Guidelines, 2015. Collection method: clinical testing. Allele origin: germline.

Mayo Clinic Laboratories, Mayo Clinic
Classification: Benign. Last evaluated: 2023-02-09. Review status: criteria provided, single submitter. Criteria: ACMG Guidelines, 2015. Collection method: clinical testing. Allele origin: germline. Observed: 238 variant alleles.
Comment: BA1, BP3

Laboratory for Molecular Medicine, Mass General Brigham Personalized Medicine
Classification: Benign. Last evaluated: 2016-03-28. Review status: criteria provided, single submitter. Criteria: LMM Criteria. Collection method: clinical testing. Allele origin: germline.
Comment: Variant identified in a genome or exome case(s) and assessed due to predicted null impact of the variant or pathogenic assertions in the literature or databases. Disclaimer: This variant has not undergone full assessment. The following are preliminary notes: Frequency

NM_001130144.3(LTBP3):c.76CTG[12] (p.Leu34_Leu35dup)

Gene: LTBP3 (latent transforming growth factor beta binding protein 3; minus strand). Cytogenetic location: 11q13.1.
Variant type: Microsatellite.
Coding change: c.76CTG[12] on transcript NM_001130144.3 (MANE Select); 12 copies in a row of the 3-base unit CTG starting at c.76; the reference has ten copies in a row; two copies, 6 bases duplicated; also written c.100_105dup.
Protein change: p.Leu34_Leu35dup.
Molecular consequence: inframe insertion. On other transcripts: 5 prime UTR variant (1).
Genome position (GRCh38, 1-based): chr11:65,557,855-65,557,860, CAGCAG duplicated on the plus strand (CTGCTG on the coding strand, the reverse complement: LTBP3 is on the minus strand); duplicating any 6 consecutive bases within chr11:65,557,855-65,557,885 gives the same sequence; the position shown is the placement nearest the transcript's 3' end. VCF-style (leftmost placement, unchanged base first): chr11-65557854-C-CCAGCAG. GRCh37 (hg19) VCF-style: chr11-65325325-C-CCAGCAG.
Other names: NM_001130144.2:c.100_105dupCTGCTG; p.Leu34_Leu35dup; c.100_105dup (NM_001130144.3, NM_001130144.2); c.-272CTG[12] (NM_001164266.1); c.76CTG[12], p.Leu34_Leu35dup (NM_021070.4).
Identifiers: ClinVar variation 403062 (VCV000403062.15), dbSNP rs71036212, ClinGen allele CA6101296.